The following is an entry in ClinVar:

NM_016929.5(CLIC5):c.121A>T (p.Ile41Phe)

Gene: CLIC5 (CLIC family member 5; minus strand). Cytogenetic location: 6p21.1.
Variant type: single nucleotide variant.
Coding change: c.121A>T on transcript NM_016929.5 (MANE Select); coding-DNA position 121, A replaced by T.
Protein change: p.Ile41Phe; replaces isoleucine 41 with phenylalanine.
Molecular consequence: missense variant.
Genome position (GRCh38, 1-based): chr6:45,955,187, T>A on the plus strand (A>T on the coding strand, the complement: CLIC5 is on the minus strand). VCF-style: chr6-45955187-T-A. GRCh37 (hg19) VCF-style: chr6-45922924-T-A.
Other names: c.598A>T (NM_001114086.1); c.598A>T, p.Ile200Phe (NM_001114086.2, NM_001370650.1); c.121A>T, p.Ile41Phe (NM_001256023.2); c.4A>T, p.Ile2Phe (NM_001370649.1); short protein forms I200F, I41F, I2F.
Identifiers: ClinVar variation 1902318 (VCV001902318.8), dbSNP rs757347492, ClinGen allele CA3836917.

ClinVar aggregate classification (germline): Uncertain significance. Review status: criteria provided, multiple submitters, no conflicts (2 of 4 stars). 4 submissions from 4 submitters: Uncertain significance (4). Last evaluated 2026-03-25.

Allele frequency attached by ClinVar (database versions not stated): ExAC 0.00001; TOPMed 0.00005; gnomAD 0.00007.
gnomAD v4.1: 101 of 1,613,958 alleles (0.0063%); highest among the groups gnomAD compares: Non-Finnish European, 0.0079%; no homozygotes.

Submissions (4):

GeneDx
Classification: Uncertain significance. Last evaluated: 2026-03-25. Review status: criteria provided, single submitter. Criteria: GeneDx Variant Classification Process June 2021. Collection method: clinical testing. Allele origin: germline.
Comment: Not observed at significant frequency in large population cohorts (gnomAD); In silico analysis supports that this missense variant has a deleterious effect on protein structure/function; Has not been previously published as pathogenic or benign to our knowledge

Ambry Genetics
Classification: Uncertain significance. Last evaluated: 2024-11-10. Review status: criteria provided, single submitter. Criteria: Ambry Variant Classification Scheme 2023. Collection method: clinical testing. Allele origin: germline.

Labcorp Genetics (formerly Invitae), Labcorp
Classification: Uncertain significance. Last evaluated: 2024-03-13. Review status: criteria provided, single submitter. Criteria: Invitae Variant Classification Sherloc (09022015). Collection method: clinical testing. Allele origin: germline.
Comment: This sequence change replaces isoleucine, which is neutral and non-polar, with phenylalanine, which is neutral and non-polar, at codon 200 of the CLIC5 protein (p.Ile200Phe). This variant is present in population databases (rs757347492, gnomAD 0.006%). This variant has not been reported in the literature in individuals affected with CLIC5-related conditions. ClinVar contains an entry for this variant (Variation ID: 1902318). An algorithm developed to predict the effect of missense changes on protein structure and function (PolyPhen-2) suggests that this variant is likely to be disruptive. In summary, the available evidence is currently insufficient to determine the role of this variant in disease. Therefore, it has been classified as a Variant of Uncertain Significance.

Blueprint Genetics
Classification: Uncertain significance. Last evaluated: 2021-03-17. Review status: criteria provided, single submitter. Criteria: ACMG Guidelines, 2015. Collection method: clinical testing. Allele origin: germline.